The following is an entry in ClinVar:

NM_003200.5(TCF3):c.1570C>T (p.Pro524Ser)

Gene: TCF3 (transcription factor 3; minus strand). Cytogenetic location: 19p13.3.
Variant type: single nucleotide variant.
Coding change: c.1570C>T on transcript NM_003200.5 (MANE Select); coding-DNA position 1570, C replaced by T.
Protein change: p.Pro524Ser; replaces proline 524 with serine.
Molecular consequence: missense variant.
Genome position (GRCh38, 1-based): chr19:1,615,702, G>A on the plus strand (C>T on the coding strand, the complement: TCF3 is on the minus strand). VCF-style: chr19-1615702-G-A. GRCh37 (hg19) VCF-style: chr19-1615701-G-A.
Other names: c.1570C>T, p.Pro524Ser (NM_001136139.4, NM_001351779.2); c.1567C>T, p.Pro523Ser (NM_001351778.2); short protein forms P524S, P523S.
Identifiers: ClinVar variation 2087684 (VCV002087684.4), dbSNP rs2513324012, ClinGen allele CA403051461.

ClinVar aggregate classification (germline): Uncertain significance (1 of 4 stars; one submission).

Submission:

Labcorp Genetics (formerly Invitae), Labcorp
Classification: Uncertain significance. Last evaluated: 2022-01-18. Review status: criteria provided, single submitter. Criteria: Invitae Variant Classification Sherloc (09022015). Collection method: clinical testing. Allele origin: germline.
Comment: This variant is not present in population databases (gnomAD no frequency). This sequence change replaces proline, which is neutral and non-polar, with serine, which is neutral and polar, at codon 524 of the TCF3 protein (p.Pro524Ser). In summary, the available evidence is currently insufficient to determine the role of this variant in disease. Therefore, it has been classified as a Variant of Uncertain Significance. Algorithms developed to predict the effect of missense changes on protein structure and function output the following: SIFT: "Not Available"; PolyPhen-2: "Benign"; Align-GVGD: "Not Available". The serine amino acid residue is found in multiple mammalian species, which suggests that this missense change does not adversely affect protein function. This variant has not been reported in the literature in individuals affected with TCF3-related conditions.